The following is an entry in ClinVar:

ClinVar aggregate classification (germline): Uncertain significance. Review status: criteria provided, multiple submitters, no conflicts (2 of 4 stars). 2 submissions from 2 submitters: Uncertain significance (2). Last evaluated 2026-04-28.

Conditions:
Inborn genetic diseases. Identifiers: MedGen C0950123, MeSH D030342.

gnomAD v4.1: 1 of 1,611,006 alleles (0.000062%); highest among the groups gnomAD compares: Non-Finnish European, 0.000085%; no homozygotes.

Submissions (2):

Ambry Genetics
Classification: Uncertain significance for Inborn genetic diseases. Last evaluated: 2026-04-28. Review status: criteria provided, single submitter. Criteria: Ambry Variant Classification Scheme 2023. Collection method: clinical testing. Allele origin: germline.

Labcorp Genetics (formerly Invitae), Labcorp
Classification: Uncertain significance. Last evaluated: 2025-06-22. Review status: criteria provided, single submitter. Criteria: Invitae Variant Classification Sherloc (09022015). Collection method: clinical testing. Allele origin: germline.
Comment: This sequence change replaces tyrosine, which is neutral and polar, with cysteine, which is neutral and slightly polar, at codon 2385 of the KMT2B protein (p.Tyr2385Cys). This variant is not present in population databases (gnomAD no frequency). This variant has not been reported in the literature in individuals affected with KMT2B-related conditions. Invitae Evidence Modeling of protein sequence and biophysical properties (such as structural, functional, and spatial information, amino acid conservation, physicochemical variation, residue mobility, and thermodynamic stability) indicates that this missense variant is not expected to disrupt KMT2B protein function with a negative predictive value of 80%. In summary, the available evidence is currently insufficient to determine the role of this variant in disease. Therefore, it has been classified as a Variant of Uncertain Significance.

NM_014727.3(KMT2B):c.7154A>G (p.Tyr2385Cys)

Gene: KMT2B (lysine methyltransferase 2B; plus strand). Cytogenetic location: 19q13.12.
Variant type: single nucleotide variant.
Coding change: c.7154A>G on transcript NM_014727.3 (MANE Select); coding-DNA position 7154, A replaced by G.
Protein change: p.Tyr2385Cys; replaces tyrosine 2385 with cysteine.
Molecular consequence: missense variant.
Genome position (GRCh38, 1-based): chr19:35,733,867, A>G. VCF-style: chr19-35733867-A-G. GRCh37 (hg19) VCF-style: chr19-36224768-A-G.
Other names: c.7154A>G (NM_014727.1); short protein forms Y2385C.
Identifiers: ClinVar variation 4704690 (VCV004704690.2).